The following is an entry in ClinVar:

ClinVar aggregate classification (germline): Pathogenic/Likely pathogenic. Review status: criteria provided, multiple submitters, no conflicts (2 of 4 stars). 2 submissions from 2 submitters: Pathogenic (1); Likely pathogenic (1). Last evaluated 2023-05-12.

Conditions:
Familial adenomatous polyposis 1 (FAP1). Also called: FAMILIAL ADENOMATOUS POLYPOSIS 1, ATTENUATED; POLYPOSIS, ADENOMATOUS INTESTINAL. Identifiers: MedGen C2713442, MONDO:0021056, OMIM 175100. Disease mechanism: loss of function.

Submissions (2):

Myriad Genetics, Inc.
Classification: Pathogenic for Familial adenomatous polyposis 1. Last evaluated: 2023-05-12. Review status: criteria provided, single submitter. Criteria: Myriad Autosomal Dominant, Autosomal Recessive and X-Linked Classification Criteria (2023). Collection method: clinical testing. Allele origin: unknown.
Comment: This variant is considered pathogenic. This variant creates a frameshift predicted to result in premature protein truncation.

GeneDx
Classification: Likely pathogenic. Last evaluated: 2016-10-04. Review status: criteria provided, single submitter. Criteria: GeneDx Variant Classification (06012015). Collection method: clinical testing. Allele origin: germline. Affected: yes.
Comment: This duplication of one nucleotide in APC is denoted c.5234dupA at the cDNA level and p.Ile1746AspfsX23 (I1746DfsX23) at the protein level. The normal sequence, with the base that is duplicated in braces, is GAAAA[A]GATA. The duplication causes a frameshift which changes an Isoleucine to an Aspartic Acid at codon 1746, and creates a premature stop codon at position 23 of the new reading frame. Even though this frameshift occurs in the last exon of the gene, and nonsense-mediated decay is not expected to occur, it is significant since the last 1098 amino acids are replaced by 22 incorrect ones. Although this variant has not, to our knowledge, been reported in the literature, it is predicted to cause loss of normal protein function through protein truncation. Based on the currently available information, we consider this duplication to be a likely pathogenic variant.

NM_000038.6(APC):c.5234dup (p.Ile1746fs)

Gene: APC (APC regulator of Wnt signaling pathway; plus strand). Cytogenetic location: 5q22.2.
Variant type: Duplication.
Coding change: c.5234dup on transcript NM_000038.6 (MANE Select); coding-DNA position 5234, one base duplicated (A; older notation c.5234dupA).
Protein change: p.Ile1746fs; shifts the reading frame from isoleucine 1746.
Molecular consequence: frameshift variant.
Genome position (GRCh38, 1-based): chr5:112,840,828, A duplicated; the last of 5 consecutive A bases (chr5:112,840,824-112,840,828); duplicating any one gives the same sequence. VCF-style (leftmost placement, unchanged base first): chr5-112840823-G-GA. GRCh37 (hg19) VCF-style: chr5-112176520-G-GA.
Other names: c.5234dup, p.Ile1746fs (NM_001127510.3, NM_001354895.2); c.5180dup, p.Ile1728fs (NM_001127511.3); c.5288dup, p.Ile1764fs (NM_001354896.2); c.5264dup, p.Ile1756fs (NM_001354897.2); c.5159dup, p.Ile1721fs (NM_001354898.2); c.5150dup, p.Ile1718fs (NM_001354899.2); c.5111dup, p.Ile1705fs (NM_001354900.2); c.5057dup, p.Ile1687fs (NM_001354901.2); and 5 more; short protein forms I1463fs, I1620fs, I1718fs, I1728fs, I1645fs, I1655fs, I1687fs, I1721fs.
Identifiers: ClinVar variation 422415 (VCV000422415.4), dbSNP rs1554086550, ClinGen allele CA16618089.